The following is an entry in ClinVar:

ClinVar aggregate classification (germline): Uncertain significance (1 of 4 stars; one submission).

Conditions:
Hypertrophic cardiomyopathy. Also called: HYPERTROPHIC MYOCARDIOPATHY. Identifiers: Orphanet 217569, MedGen C0007194, MeSH D002312, MONDO:0005045, HP:0001639.

gnomAD v4.1: 1 of 1,613,674 alleles (0.000062%); highest among the groups gnomAD compares: African/African-American, 0.0013%; no homozygotes.

Submission:

Labcorp Genetics (formerly Invitae), Labcorp
Classification: Uncertain significance for Hypertrophic cardiomyopathy. Last evaluated: 2024-12-04. Review status: criteria provided, single submitter. Criteria: Invitae Variant Classification Sherloc (09022015). Collection method: clinical testing. Allele origin: germline.
Comment: This sequence change replaces aspartic acid, which is acidic and polar, with glycine, which is neutral and non-polar, at codon 28 of the MYOZ2 protein (p.Asp28Gly). This variant is present in population databases (no rsID available, gnomAD 0.007%). This variant has not been reported in the literature in individuals affected with MYOZ2-related conditions. Invitae Evidence Modeling of protein sequence and biophysical properties (such as structural, functional, and spatial information, amino acid conservation, physicochemical variation, residue mobility, and thermodynamic stability) indicates that this missense variant is not expected to disrupt MYOZ2 protein function with a negative predictive value of 80%. In summary, the available evidence is currently insufficient to determine the role of this variant in disease. Therefore, it has been classified as a Variant of Uncertain Significance.

NM_016599.5(MYOZ2):c.83A>G (p.Asp28Gly)

Gene: MYOZ2 (myozenin 2; plus strand). Cytogenetic location: 4q26.
Variant type: single nucleotide variant.
Coding change: c.83A>G on transcript NM_016599.5 (MANE Select); coding-DNA position 83, A replaced by G.
Protein change: p.Asp28Gly; replaces aspartic acid 28 with glycine.
Molecular consequence: missense variant.
Genome position (GRCh38, 1-based): chr4:119,150,878, A>G. VCF-style: chr4-119150878-A-G. GRCh37 (hg19) VCF-style: chr4-120072033-A-G.
Other names: short protein forms D28G.
Identifiers: ClinVar variation 3703317 (VCV003703317.2).
Genomic context (GRCh38, chr4:119,150,878, plus strand): 5'-AGCATTAAAAATGCTTACCTTGGGATTTTTACTCATATGAATATTGTTTTACAGATGTTG[A>G]TGGCATGGACCTGGGCAAAAAGGTCAGCATCCCCAGAGACATCATGTTGGAAGAATTATC-3'
Protein context (NP_057683.1, residues 18-38): IMKEVHGNDV[Asp28Gly]GMDLGKKVSI